The following is an entry in ClinVar:

NM_001378609.3(OTOGL):c.3742C>G (p.His1248Asp)

Gene: OTOGL (otogelin like; plus strand). Cytogenetic location: 12q21.31.
Variant type: single nucleotide variant.
Coding change: c.3742C>G on transcript NM_001378609.3 (MANE Select); coding-DNA position 3742, C replaced by G.
Protein change: p.His1248Asp; replaces histidine 1248 with aspartic acid.
Molecular consequence: missense variant.
Genome position (GRCh38, 1-based): chr12:80,318,653, C>G. VCF-style: chr12-80318653-C-G. GRCh37 (hg19) VCF-style: chr12-80712433-C-G.
Other names: c.3607C>G, p.His1203Asp (NM_001368062.3); c.3742C>G, p.His1248Asp (NM_001378610.3, NM_173591.7); short protein forms H1239D, H1203D, H1248D.
Identifiers: ClinVar variation 715653 (VCV000715653.14), dbSNP rs201328043, ClinGen allele CA6701165.
Genomic context (GRCh38, chr12:80,318,653, plus strand): 5'-CTTGTTCTGGGGGCCAATATGACCAGCAGAAGCGTTTTCTGTTTGCCGAGAAGCAGTGTT[C>G]ATACCAGTTTATTTTTTTATTTTATGATCACTCCAGGCCTTTTCAAAGAGAAGGTATCAT-3'
Protein context (NP_001365538.2, residues 1238-1258): SVFCLPRSSV[His1248Asp]TSLFFYFMIT

ClinVar aggregate classification (germline): Conflicting classifications of pathogenicity. Review status: criteria provided, conflicting classifications (1 of 4 stars). 4 submissions from 4 submitters: Uncertain significance (2); Likely benign (2). Last evaluated 2025-07-21.

Conditions:
OTOGL-related disorder. Also called: OTOGL-related condition.
Inborn genetic diseases. Identifiers: MedGen C0950123, MeSH D030342.

Allele frequency attached by ClinVar (database versions not stated): gnomAD exomes 0.00018; ExAC 0.00032; ESP Exome Variant Server 0.00052; TOPMed 0.00062; gnomAD 0.00068 and 0.00070; 1000 Genomes Project 30x 0.00094; 1000 Genomes Project 0.00120.
gnomAD v4.1: 164 of 1,452,468 alleles (0.011%); highest among the groups gnomAD compares: African/African-American, 0.2%; no homozygotes.

Submissions (4):

Labcorp Genetics (formerly Invitae), Labcorp
Classification: Likely benign. Last evaluated: 2025-07-21. Review status: criteria provided, single submitter. Criteria: Invitae Variant Classification Sherloc (09022015). Collection method: clinical testing. Allele origin: germline.

PreventionGenetics, part of Exact Sciences
Classification: Likely benign for OTOGL-related condition. Last evaluated: 2025-01-03. Review status: criteria provided, single submitter. Criteria: ACMG Guidelines, 2015. Collection method: clinical testing. Allele origin: germline.
Comment: This variant is classified as likely benign based on ACMG/AMP sequence variant interpretation guidelines (Richards et al. 2015 PMID: 25741868, with internal and published modifications).

Ambry Genetics
Classification: Uncertain significance for Inborn genetic diseases. Last evaluated: 2021-08-09. Review status: criteria provided, single submitter. Criteria: Ambry Variant Classification Scheme 2023. Collection method: clinical testing. Allele origin: germline.

GeneDx
Classification: Uncertain significance. Last evaluated: 2021-03-26. Review status: criteria provided, single submitter. Criteria: GeneDx Variant Classification Process June 2021. Collection method: clinical testing. Allele origin: germline. Affected: yes.
Comment: In silico analysis supports that this missense variant does not alter protein structure/function; Has not been previously published as pathogenic or benign to our knowledge